The following is an entry in ClinVar:

NM_013276.4(SHPK):c.203C>G (p.Ala68Gly)

Gene: SHPK (sedoheptulokinase; minus strand). Cytogenetic location: 17p13.2.
Variant type: single nucleotide variant.
Coding change: c.203C>G on transcript NM_013276.4 (MANE Select); coding-DNA position 203, C replaced by G.
Protein change: p.Ala68Gly; replaces alanine 68 with glycine.
Molecular consequence: missense variant.
Genome position (GRCh38, 1-based): chr17:3,630,312, G>C on the plus strand (C>G on the coding strand, the complement: SHPK is on the minus strand). VCF-style: chr17-3630312-G-C. GRCh37 (hg19) VCF-style: chr17-3533606-G-C.
Other names: c.203C>G (NM_013276.2); short protein forms A68G.
Identifiers: ClinVar variation 2146931 (VCV002146931.6), dbSNP rs147112235, ClinGen allele CA8291414.

ClinVar aggregate classification (germline): Uncertain significance. Review status: criteria provided, multiple submitters, no conflicts (2 of 4 stars). 2 submissions from 2 submitters: Uncertain significance (2). Last evaluated 2025-12-03.

Allele frequency attached by ClinVar (database versions not stated): ExAC 0.00007; ESP Exome Variant Server 0.00008; gnomAD 0.00011; TOPMed 0.00011; 1000 Genomes Project 30x 0.00016; 1000 Genomes Project 0.00020.
gnomAD v4.1: 26 of 1,613,262 alleles (0.0016%); highest among the groups gnomAD compares: African/African-American, 0.031%; no homozygotes.

Submissions (2):

Ambry Genetics
Classification: Uncertain significance. Last evaluated: 2025-12-03. Review status: criteria provided, single submitter. Criteria: Ambry Variant Classification Scheme 2023. Collection method: clinical testing. Allele origin: germline.

Labcorp Genetics (formerly Invitae), Labcorp
Classification: Uncertain significance. Last evaluated: 2025-03-05. Review status: criteria provided, single submitter. Criteria: Invitae Variant Classification Sherloc (09022015). Collection method: clinical testing. Allele origin: germline.
Comment: This sequence change replaces alanine, which is neutral and non-polar, with glycine, which is neutral and non-polar, at codon 68 of the SHPK protein (p.Ala68Gly). This variant is present in population databases (rs147112235, gnomAD 0.05%). This variant has not been reported in the literature in individuals affected with SHPK-related conditions. ClinVar contains an entry for this variant (Variation ID: 2146931). An algorithm developed to predict the effect of missense changes on protein structure and function (PolyPhen-2) suggests that this variant is likely to be disruptive. In summary, the available evidence is currently insufficient to determine the role of this variant in disease. Therefore, it has been classified as a Variant of Uncertain Significance.